The following is an entry in ClinVar:

NM_005861.4(STUB1):c.784C>T (p.Gln262Ter)

Genes: JMJD8 (jumonji domain containing 8; minus strand), STUB1 (STIP1 homology and U-box containing protein 1; plus strand). Cytogenetic location: 16p13.3.
Variant type: single nucleotide variant.
Coding change: c.784C>T on transcript NM_005861.4 (MANE Select); coding-DNA position 784, C replaced by T.
Protein change: p.Gln262Ter; replaces glutamine 262 with a stop codon.
Molecular consequence: nonsense. On other transcripts: 3 prime UTR variant (5), non-coding transcript variant (3).
Genome position (GRCh38, 1-based): chr16:682,279, C>T. VCF-style: chr16-682279-C-T. GRCh37 (hg19) VCF-style: chr16-732279-C-T.
Other names: c.568C>T, p.Gln190Ter (NM_001293197.2); c.*515G>A (NM_001005920.4, NM_001323919.3, NM_001323920.3); c.*549G>A (NM_001323918.3, NM_001323922.3); short protein forms Q190*, Q262*.
Identifiers: ClinVar variation 3338115 (VCV003338115.2).

ClinVar aggregate classification (germline): Likely pathogenic (1 of 4 stars; one submission).

Conditions:
Spinocerebellar ataxia 48. Identifiers: Orphanet 631103, MedGen C4748158, MONDO:0032526, OMIM 618093.

gnomAD v4.1: 1 of 1,569,152 alleles (0.000064%); highest among the groups gnomAD compares: Non-Finnish European, 0.000086%; no homozygotes.

Submission:

Center for Human Genetics and Genomic Medicine, Uniklinik Rwth Aachen
Classification: Likely pathogenic for Spinocerebellar ataxia 48. Last evaluated: 2024-08-14. Review status: criteria provided, single submitter. Criteria: ACMG Guidelines, 2015. Collection method: clinical testing. Allele origin: germline. Inheritance: Autosomal dominant inheritance. Affected: yes. Observed: 1 heterozygote.
Comment: PVS1, PM2